The following is an entry in ClinVar:

ClinVar aggregate classification (germline): Uncertain significance. Review status: criteria provided, multiple submitters, no conflicts (2 of 4 stars). 5 submissions from 5 submitters: Uncertain significance (5). Last evaluated 2025-12-09.

Conditions:
Rhabdomyosarcoma, embryonal, 2 (RMSE2). Identifiers: MedGen C1867234, MONDO:0859046, OMIM 180295.
Global developmental delay - lung cysts - overgrowth - Wilms tumor syndrome. Also called: GLOW Syndrome; GLOBAL DEVELOPMENTAL DELAY, LUNG CYSTS, OVERGROWTH, AND WILMS TUMOR. Identifiers: Orphanet 404476, MedGen C4748924, MONDO:0018445, OMIM 618272.
Euthyroid goiter (MNG1). Also called: Goiter, multinodular 1, with or without Sertoli-Leydig cell tumors; GOITER, NONTOXIC, WITH INTRATHYROIDAL CALCIFICATION; MULTINODULAR GOITER, ADOLESCENT; SIMPLE GOITER. Identifiers: Orphanet 276399, MedGen C0302859, MONDO:0007681, OMIM 138800, HP:0009798.
Pleuropulmonary blastoma (PPB). Identifiers: Orphanet 64742, MedGen C1266144, MONDO:0011014, OMIM 601200, HP:0100528.
DICER1-related tumor predisposition. Also called: DICER1-related pleuropulmonary blastoma cancer predisposition syndrome; DICER1 syndrome. Identifiers: Orphanet 284343, MedGen C3839822, MONDO:0100216.
Hereditary cancer-predisposing syndrome. Also called: Tumor predisposition; Neoplastic Syndromes, Hereditary; Hereditary Cancer Syndrome; Hereditary neoplastic syndrome. Identifiers: Orphanet 140162, MedGen C0027672, MeSH D009386, MONDO:0015356.

Allele frequency attached by ClinVar (database versions not stated): gnomAD exomes below 0.00001; ExAC 0.00001; gnomAD 0.00001; TOPMed 0.00003.
gnomAD v4.1: 13 of 1,613,994 alleles (0.00081%); highest among the groups gnomAD compares: Middle Eastern, 0.016%; no homozygotes.

Submissions (5):

Labcorp Genetics (formerly Invitae), Labcorp
Classification: Uncertain significance for DICER1-related tumor predisposition. Last evaluated: 2025-12-09. Review status: criteria provided, single submitter. Criteria: Invitae Variant Classification Sherloc (09022015). Collection method: clinical testing. Allele origin: germline.
Comment: This sequence change replaces valine, which is neutral and non-polar, with methionine, which is neutral and non-polar, at codon 1211 of the DICER1 protein (p.Val1211Met). This variant is present in population databases (rs764470378, gnomAD 0.002%). This variant has not been reported in the literature in individuals affected with DICER1-related conditions. ClinVar contains an entry for this variant (Variation ID: 477150). Invitae Evidence Modeling of protein sequence and biophysical properties (such as structural, functional, and spatial information, amino acid conservation, physicochemical variation, residue mobility, and thermodynamic stability) indicates that this missense variant is not expected to disrupt DICER1 protein function with a negative predictive value of 95%. In summary, the available evidence is currently insufficient to determine the role of this variant in disease. Therefore, it has been classified as a Variant of Uncertain Significance.

Ambry Genetics
Classification: Uncertain significance for Hereditary cancer-predisposing syndrome. Last evaluated: 2025-11-25. Review status: criteria provided, single submitter. Criteria: Ambry Variant Classification Scheme 2023. Collection method: clinical testing. Allele origin: germline.
Comment: The p.V1211M variant (also known as c.3631G>A), located in coding exon 20 of the DICER1 gene, results from a G to A substitution at nucleotide position 3631. The valine at codon 1211 is replaced by methionine, an amino acid with highly similar properties. This amino acid position is not well conserved in available vertebrate species. In addition, the in silico prediction for this alteration is inconclusive. Since supporting evidence is limited at this time, the clinical significance of this alteration remains unclear.

Quest Diagnostics Nichols Institute San Juan Capistrano
Classification: Uncertain significance. Last evaluated: 2025-09-08. Review status: criteria provided, single submitter. Criteria: Quest Diagnostics criteria. Collection method: clinical testing. Allele origin: unknown.
Comment: The DICER1 c.3631G>A (p.Val1211Met) variant has not been reported in individuals with DICER1-related conditions in the published literature. The frequency of this variant in the general population (Genome Aggregation Database) is uninformative in the assessment of its pathogenicity. Analysis of this variant using bioinformatics tools for the prediction of the effect of amino acid changes on protein structure and function yielded predictions that this variant is benign. Based on the available information, we are unable to determine the clinical significance of this variant.

Fulgent Genetics
Classification: Uncertain significance for Euthyroid goiter; Rhabdomyosarcoma, embryonal, 2; Pleuropulmonary blastoma; Global developmental delay - lung cysts - overgrowth - Wilms tumor syndrome. Last evaluated: 2024-01-04. Review status: criteria provided, single submitter. Criteria: ACMG Guidelines, 2015. Collection method: clinical testing. Allele origin: germline.

Baylor Genetics
Classification: Uncertain significance for Global developmental delay - lung cysts - overgrowth - Wilms tumor syndrome. Last evaluated: 2023-10-12. Review status: criteria provided, single submitter. Criteria: ACMG Guidelines, 2015. Collection method: clinical testing. Allele origin: unknown.

NM_177438.3(DICER1):c.3631G>A (p.Val1211Met)

Gene: DICER1 (dicer 1, ribonuclease III; minus strand). Cytogenetic location: 14q32.13.
Variant type: single nucleotide variant.
Coding change: c.3631G>A on transcript NM_177438.3 (MANE Select); coding-DNA position 3631, G replaced by A.
Protein change: p.Val1211Met; replaces valine 1211 with methionine.
Molecular consequence: missense variant.
Genome position (GRCh38, 1-based): chr14:95,103,765, C>T on the plus strand (G>A on the coding strand, the complement: DICER1 is on the minus strand). VCF-style: chr14-95103765-C-T. GRCh37 (hg19) VCF-style: chr14-95570102-C-T.
Other names: c.3631G>A, p.Val1211Met (NM_001195573.1, NM_001271282.3, NM_001291628.2 and 1 more transcripts); short protein forms V1211M.
Identifiers: ClinVar variation 477150 (VCV000477150.21), dbSNP rs764470378, ClinGen allele CA7331016.